The following is an entry in ClinVar:

NM_000252.3(MTM1):c.1597C>A (p.Leu533Ile)

Gene: MTM1 (myotubularin 1; plus strand). Cytogenetic location: Xq28.
Variant type: single nucleotide variant.
Coding change: c.1597C>A on transcript NM_000252.3 (MANE Select); coding-DNA position 1597, C replaced by A.
Protein change: p.Leu533Ile; replaces leucine 533 with isoleucine.
Molecular consequence: missense variant.
Genome position (GRCh38, 1-based): chrX:150,663,562, C>A. VCF-style: chrX-150663562-C-A. GRCh37 (hg19) VCF-style: chrX-149832035-C-A.
Other names: c.1597C>A, p.Leu533Ile (NM_001376906.1, NM_001376908.1); c.1486C>A, p.Leu496Ile (NM_001376907.1); short protein forms L496I, L533I.
Identifiers: ClinVar variation 5024955 (VCV005024955.1).
Genomic context (GRCh38, chrX:150,663,562, plus strand): 5'-TTCTATACTAAAGAAATCAATCGAGTTTTATATCCAGTTGCCAGTATGCGTCACTTGGAA[C>A]TCTGGGTGAATTACTACATTAGATGGAACCCCAGGATCAAGCAACAAGTAAGTGAAGTAG-3'
Protein context (NP_000243.1, residues 523-543): YPVASMRHLE[Leu533Ile]WVNYYIRWNP

ClinVar aggregate classification (germline): Uncertain significance (1 of 4 stars; one submission).

Conditions:
Inborn genetic diseases. Identifiers: MedGen C0950123, MeSH D030342.

gnomAD v4.1: 5 of 1,209,852 alleles (0.00041%); highest among the groups gnomAD compares: African/African-American, 0.0087%; no homozygotes.

Submission:

Ambry Genetics
Classification: Uncertain significance for Inborn genetic diseases. Last evaluated: 2026-08-03. Review status: criteria provided, single submitter. Criteria: Ambry Variant Classification Scheme 2023. Collection method: clinical testing. Allele origin: germline.
Comment: The c.1597C>A (p.L533I) alteration is located in exon 14 (coding exon 13) of the MTM1 gene. This alteration results from a C to A substitution at nucleotide position 1597, causing the leucine (L) at amino acid position 533 to be replaced by an isoleucine (I). Based on data from gnomAD, the A allele has an overall frequency of 0.001% (2/205342) total alleles studied. The highest observed frequency was 0.011% (2/19037) of African alleles. Based on insufficient or conflicting evidence, the clinical significance of this alteration remains unclear.